The following is an entry in ClinVar:

NM_006258.4(PRKG1):c.1048G>A (p.Ala350Thr)

Gene: PRKG1 (protein kinase cGMP-dependent 1; plus strand). Cytogenetic location: 10q21.1.
Variant type: single nucleotide variant.
Coding change: c.1048G>A on transcript NM_006258.4 (MANE Select); coding-DNA position 1048, G replaced by A.
Protein change: p.Ala350Thr; replaces alanine 350 with threonine.
Molecular consequence: missense variant. On other transcripts: 5 prime UTR variant (1).
Genome position (GRCh38, 1-based): chr10:52,161,935, G>A. VCF-style: chr10-52161935-G-A. GRCh37 (hg19) VCF-style: chr10-53921695-G-A.
Other names: c.1003G>A, p.Ala335Thr (NM_001098512.3); c.-162G>A (NM_001374781.1); short protein forms A335T, A350T.
Identifiers: ClinVar variation 3783392 (VCV003783392.1).
Genomic context (GRCh38, chr10:52,161,935, plus strand): 5'-TTTTCGTCTGACAGCTCTTTTAAACATTTGATTGGAGGGCTGGATGATGTTTCTAATAAA[G>A]CATATGAAGATGCAGAAGCTAAAGCAAAGTAAGTGACTTTTTTCCTTAATTTTGATTGCA-3'
Protein context (NP_006249.1, residues 340-360): IGGLDDVSNK[Ala350Thr]YEDAEAKAKY

ClinVar aggregate classification (germline): Uncertain significance (1 of 4 stars; one submission).

Conditions:
Familial thoracic aortic aneurysm and aortic dissection (TAAD). Also called: Thoracic aortic aneurysms and dissections. Identifiers: Orphanet 91387, MedGen C4707243, MONDO:0019625.

Submission:

Ambry Genetics
Classification: Uncertain significance for Familial thoracic aortic aneurysm and aortic dissection. Last evaluated: 2025-01-21. Review status: criteria provided, single submitter. Criteria: Ambry Variant Classification Scheme 2023. Collection method: clinical testing. Allele origin: germline.
Comment: The p.A350T variant (also known as c.1048G>A), located in coding exon 9 of the PRKG1 gene, results from a G to A substitution at nucleotide position 1048. The alanine at codon 350 is replaced by threonine, an amino acid with similar properties. This amino acid position is conserved. In addition, this alteration is predicted to be tolerated by in silico analysis. Based on the available evidence, the clinical significance of this variant remains unclear.